The following is an entry in ClinVar:

ClinVar aggregate classification (germline): Uncertain significance (1 of 4 stars; one submission).

Allele frequency attached by ClinVar (database versions not stated): gnomAD 0.00003.
gnomAD v4.1: 118 of 1,612,670 alleles (0.0073%); highest among the groups gnomAD compares: Non-Finnish European, 0.0092%; no homozygotes.

Submission:

GeneDx
Classification: Uncertain significance. Last evaluated: 2023-06-12. Review status: criteria provided, single submitter. Criteria: GeneDx Variant Classification Process June 2021. Collection method: clinical testing. Allele origin: germline. Affected: yes.
Comment: In silico analysis supports that this missense variant does not alter protein structure/function; Has not been previously published as pathogenic or benign to our knowledge

NM_005247.4(FGF3):c.475G>A (p.Gly159Ser)

Gene: FGF3 (fibroblast growth factor 3; minus strand). Cytogenetic location: 11q13.3.
Variant type: single nucleotide variant.
Coding change: c.475G>A on transcript NM_005247.4 (MANE Select); coding-DNA position 475, G replaced by A.
Protein change: p.Gly159Ser; replaces glycine 159 with serine.
Molecular consequence: missense variant.
Genome position (GRCh38, 1-based): chr11:69,810,550, C>T on the plus strand (G>A on the coding strand, the complement: FGF3 is on the minus strand). VCF-style: chr11-69810550-C-T. GRCh37 (hg19) VCF-style: chr11-69625318-C-T.
Other names: short protein forms G159S.
Identifiers: ClinVar variation 2505842 (VCV002505842.1), dbSNP rs138021053, ClinGen allele CA223497154.
Genomic context (GRCh38, chr11:69,810,550, plus strand): 5'-GGAACAGGGAGGACTTCTGTGTGCGGCGGGTCTTGAAGCCCCTGCGGGGCCGGCCCTTGC[C>T]GTTCACAGACACGTACCACAGTCTCTCGGCGCTGGGCTGCCGGCGGGCCCCAGGCGTACT-3'
Protein context (NP_005238.1, residues 149-169): AERLWYVSVN[Gly159Ser]KGRPRRGFKT